The following is an entry in ClinVar:

NM_020529.3(NFKBIA):c.636+17C>T

Gene: NFKBIA (NFKB inhibitor alpha; minus strand). Cytogenetic location: 14q13.2.
Variant type: single nucleotide variant.
Coding change: c.636+17C>T on transcript NM_020529.3 (MANE Select); 17 bases into the intron after coding-DNA position 636, C replaced by T.
Molecular consequence: intron variant.
Genome position (GRCh38, 1-based): chr14:35,402,754, G>A on the plus strand (C>T on the coding strand, the complement: NFKBIA is on the minus strand). VCF-style: chr14-35402754-G-A. GRCh37 (hg19) VCF-style: chr14-35871960-G-A.
Identifiers: ClinVar variation 1166715 (VCV001166715.14), dbSNP rs2233419, ClinGen allele CA7155398.

ClinVar aggregate classification (germline): Benign. Review status: criteria provided, multiple submitters, no conflicts (2 of 4 stars). 5 submissions from 5 submitters: Benign (5). Last evaluated 2026-02-04.

Conditions:
Ectodermal dysplasia and immunodeficiency 2. Identifiers: Orphanet 238468, Orphanet 98813, MedGen C2677481, MONDO:0012806, OMIM 612132.

Allele frequency attached by ClinVar (database versions not stated): 1000 Genomes Project 0.11042; 1000 Genomes Project 30x 0.11149; TOPMed 0.14664; gnomAD 0.15084 and 0.15155; gnomAD exomes 0.15341 and 0.18094; ExAC 0.15628; ESP Exome Variant Server 0.16331.
gnomAD v4.1: 286,684 of 1,613,940 alleles (18%); highest among the groups gnomAD compares: Non-Finnish European, 19%; 26,631 homozygotes.

Submissions (5):

Labcorp Genetics (formerly Invitae), Labcorp
Classification: Benign for Ectodermal dysplasia and immunodeficiency 2. Last evaluated: 2026-02-04. Review status: criteria provided, single submitter. Criteria: Invitae Variant Classification Sherloc (09022015). Collection method: clinical testing. Allele origin: germline.

Women's Health and Genetics/Laboratory Corporation of America, LabCorp
Classification: Benign. Last evaluated: 2026-01-21. Review status: criteria provided, single submitter. Criteria: LabCorp Variant Classification Summary - May 2015. Collection method: clinical testing. Allele origin: germline.

Unidad de Genómica Garrahan, Hospital de Pediatría Garrahan
Classification: Benign. Last evaluated: 2023-11-12. Review status: criteria provided, single submitter. Criteria: ACMG Guidelines, 2015. Collection method: clinical testing. Allele origin: germline. Affected: no. Observed: 25 variant alleles.
Comment: This variant is classified as Benign based on local population frequency. This variant was detected in 26% of patients studied by a panel of primary immunodeficiencies. Number of patients: 25. Only high quality variants are reported.

GeneDx
Classification: Benign. Last evaluated: 2021-06-19. Review status: criteria provided, single submitter. Criteria: GeneDx Variant Classification Process June 2021. Collection method: clinical testing. Allele origin: germline. Affected: yes.

Breakthrough Genomics
Classification: Benign. Review status: criteria provided, single submitter. Criteria: ACMG Guidelines, 2015. Collection method: not provided. Allele origin: germline. Inheritance: Autosomal dominant inheritance. Affected: yes.